The following is an entry in ClinVar:

ClinVar aggregate classification (germline): Benign (0 of 4 stars; one submission).

Conditions:
TPH1-related disorder. Also called: TPH1-related condition.

Allele frequency attached by ClinVar (database versions not stated): gnomAD exomes 0.00022; ExAC 0.00076; gnomAD 0.00208; TOPMed 0.00218; ESP Exome Variant Server 0.00262; 1000 Genomes Project 0.00300; 1000 Genomes Project 30x 0.00344.
gnomAD v4.1: 647 of 1,613,384 alleles (0.04%); highest among the groups gnomAD compares: African/African-American, 0.69%; 4 homozygotes.

Submission:

PreventionGenetics, part of Exact Sciences
Classification: Benign for TPH1-related condition. Last evaluated: 2020-01-06. Review status: no assertion criteria provided. Collection method: clinical testing. Allele origin: germline.
Comment: This variant is classified as benign based on ACMG/AMP sequence variant interpretation guidelines (Richards et al. 2015 PMID: 25741868, with internal and published modifications).

NM_004179.3(TPH1):c.170A>T (p.Asn57Ile)

Gene: TPH1 (tryptophan hydroxylase 1; minus strand). Cytogenetic location: 11p15.1.
Variant type: single nucleotide variant.
Coding change: c.170A>T on transcript NM_004179.3 (MANE Select); coding-DNA position 170, A replaced by T.
Protein change: p.Asn57Ile; replaces asparagine 57 with isoleucine.
Molecular consequence: missense variant.
Genome position (GRCh38, 1-based): chr11:18,036,090, T>A on the plus strand (A>T on the coding strand, the complement: TPH1 is on the minus strand). VCF-style: chr11-18036090-T-A. GRCh37 (hg19) VCF-style: chr11-18057637-T-A.
Other names: short protein forms N57I.
Identifiers: ClinVar variation 3033929 (VCV003033929.2), dbSNP rs145842425, ClinGen allele CA5907675.
Genomic context (GRCh38, chr11:18,036,090, plus strand): 5'-AAAATATCATTCAATTGTTCTCTGTTGATGTCACAGTCAACAAAAATCTCAAATTCTGAG[T>A]TTCTTCTTTTTGATTTTCGGGACTCGATATGTAACAGATTCACATGCTTCTCCTGTGTAA-3'
Protein context (NP_004170.1, residues 47-67): HIESRKSKRR[Asn57Ile]SEFEIFVDCD